The following is an entry in ClinVar:

NM_001394062.1(MACF1):c.16178A>G (p.Lys5393Arg)

Gene: MACF1 (microtubule actin crosslinking factor 1; plus strand). Cytogenetic location: 1p34.3.
Variant type: single nucleotide variant.
Coding change: c.16178A>G on transcript NM_001394062.1 (MANE Select); coding-DNA position 16178, A replaced by G.
Protein change: p.Lys5393Arg; replaces lysine 5393 with arginine.
Molecular consequence: missense variant.
Genome position (GRCh38, 1-based): chr1:39,424,056, A>G. VCF-style: chr1-39424056-A-G. GRCh37 (hg19) VCF-style: chr1-39889728-A-G.
Other names: c.4574A>G, p.Lys1525Arg (NM_001397473.1); c.9992A>G, p.Lys3331Arg (NM_012090.5); c.9992A>G (NM_012090.4); short protein forms K1525R, K3331R, K5393R.
Identifiers: ClinVar variation 3354964 (VCV003354964.2).

ClinVar aggregate classification (germline): Uncertain significance. Review status: criteria provided, single submitter (1 of 4 stars). 2 submissions from 2 submitters: Uncertain significance (1). 1 of the submissions does not count toward it. Last evaluated 2025-01-02.

Conditions:
MACF1-related disorder. Also called: MACF1-related condition.
Inborn genetic diseases. Identifiers: MedGen C0950123, MeSH D030342.

gnomAD v4.1: 4 of 1,611,564 alleles (0.00025%); highest among the groups gnomAD compares: Admixed American, 0.0034%; no homozygotes.

Submissions (2):

Ambry Genetics
Classification: Uncertain significance for Inborn genetic diseases. Last evaluated: 2025-01-02. Review status: criteria provided, single submitter. Criteria: Ambry Variant Classification Scheme 2023. Collection method: clinical testing. Allele origin: germline.

PreventionGenetics, part of Exact Sciences
Classification: Uncertain significance for MACF1-related condition. Last evaluated: 2024-06-14. Review status: no assertion criteria provided. Collection method: clinical testing. Allele origin: germline. Not counted in ClinVar's aggregate classification.
Comment: The MACF1 c.9992A>G variant is predicted to result in the amino acid substitution p.Lys3331Arg. To our knowledge, this variant has not been reported in the literature. This variant is reported in 0.00088% of alleles in individuals of European (Non-Finnish) descent in gnomAD. At this time, the clinical significance of this variant is uncertain due to the absence of conclusive functional and genetic evidence.